The following is an entry in ClinVar:

ClinVar aggregate classification (germline): Likely pathogenic (1 of 4 stars; one submission).

Conditions:
Spondylocarpotarsal synostosis syndrome (SCT). Also called: Spondylocarpotarsal Synostosis Syndrome (FLNB-SCT); SPONDYLOCARPOTARSAL SYNDROME; VERTEBRAL FUSION WITH CARPAL COALITION; Synspondylism congenital; Scoliosis, congenital with unilateral unsegmented bar. Identifiers: Orphanet 3275, MedGen C1848934, MONDO:0010094, OMIM 272460.

Submission:

Kasturba Medical College, Manipal, Kasturba Medical College, Manipal, Manipal Academy of Higher Education, Manipal, India
Classification: Likely pathogenic for Spondylocarpotarsal synostosis syndrome. Last evaluated: 2026-02-25. Review status: criteria provided, single submitter. Criteria: ACMG Guidelines, 2015. Collection method: research. Allele origin: maternal. Inheritance: Autosomal recessive inheritance. Affected: yes. Observed: 1 heterozygote.
Comment: This variant is not observed in homozygous and/or heterozygous state in our in-house data of 3987 exomes and gnomAD database (v4.1.0). This frameshift deletion is predicted to cause shift in the reading frame of the transcript introducing a premature termination codon, which may either result in a truncated protein or trigger nonsense-mediated mRNA decay.

NM_001457.4(FLNB):c.950_951del (p.Val317fs)

Gene: FLNB (filamin B; plus strand). Cytogenetic location: 3p14.3.
Variant type: Microsatellite.
Coding change: c.950_951del on transcript NM_001457.4 (MANE Select); coding-DNA positions 950 to 951, 2 bases deleted (TG; older notation c.950_951delTG).
Protein change: p.Val317fs; shifts the reading frame from valine 317.
Molecular consequence: frameshift variant.
Genome position (GRCh38, 1-based): chr3:58,096,184-58,096,185, TG deleted; deleting any 2 consecutive bases within chr3:58,096,182-58,096,185 gives the same sequence; the c. name uses the placement nearest the transcript's 3' end. VCF-style (leftmost placement, unchanged base first): chr3-58096181-CTG-C. GRCh37 (hg19) VCF-style: chr3-58081908-CTG-C.
Other names: c.950_951del, p.Val317fs (NM_001164317.2, NM_001164318.2, NM_001164319.2); short protein forms V317fs.
Identifiers: ClinVar variation 4812938 (VCV004812938.1).